The following is an entry in ClinVar:

NM_001366385.1(CARD14):c.1681C>T (p.Pro561Ser)

Gene: CARD14 (caspase recruitment domain family member 14; plus strand). Cytogenetic location: 17q25.3.
Variant type: single nucleotide variant.
Coding change: c.1681C>T on transcript NM_001366385.1 (MANE Select); coding-DNA position 1681, C replaced by T.
Protein change: p.Pro561Ser; replaces proline 561 with serine.
Molecular consequence: missense variant. On other transcripts: non-coding transcript variant (1).
Genome position (GRCh38, 1-based): chr17:80,198,421, C>T. VCF-style: chr17-80198421-C-T. GRCh37 (hg19) VCF-style: chr17-78172220-C-T.
Other names: c.1681C>T (NM_024110.3); c.1681C>T, p.Pro561Ser (NM_001257970.1, NM_024110.4); c.970C>T, p.Pro324Ser (NM_052819.3); short protein forms P324S, P561S.
Identifiers: ClinVar variation 2929908 (VCV002929908.4), dbSNP rs1200903181, ClinGen allele CA401350894.
Genomic context (GRCh38, chr17:80,198,421, plus strand): 5'-CTGGGCAGTGCACAAGCCGGTCGTCTCCCGGCCTGCAGCGGCGTCCTCATGCGGCGGAGG[C>T]CAGCCCGCAGGATCCTGAGCCAGGTCACCATGCTGGCGTTCCAGGGGGATGCATTGCTGG-3'
Protein context (NP_001353314.1, residues 551-571): SESGVLMRRR[Pro561Ser]ARRILSQVTM

ClinVar aggregate classification (germline): Uncertain significance. Review status: criteria provided, multiple submitters, no conflicts (2 of 4 stars). 2 submissions from 2 submitters: Uncertain significance (2). Last evaluated 2024-05-02.

Conditions:
Pityriasis rubra pilaris (PRP). Also called: Pityriasis rubra pilaris--familial type. Identifiers: Orphanet 2897, MedGen C0032027, MONDO:0100017, OMIM 173200, MONDO:0008251.
Psoriasis 2. Identifiers: MedGen C1864497, MONDO:0011269, OMIM 602723.
Inborn genetic diseases. Identifiers: MedGen C0950123, MeSH D030342.

Allele frequency attached by ClinVar (database versions not stated): gnomAD exomes below 0.00001; TOPMed below 0.00001; gnomAD 0.00001.
gnomAD v4.1: 4 of 1,605,950 alleles (0.00025%); highest among the groups gnomAD compares: Non-Finnish European, 0.00034%; no homozygotes.

Submissions (2):

Ambry Genetics
Classification: Uncertain significance for Inborn genetic diseases. Last evaluated: 2024-05-02. Review status: criteria provided, single submitter. Criteria: Ambry Variant Classification Scheme 2023. Collection method: clinical testing. Allele origin: germline.

Labcorp Genetics (formerly Invitae), Labcorp
Classification: Uncertain significance for Pityriasis rubra pilaris; Psoriasis 2. Last evaluated: 2023-11-27. Review status: criteria provided, single submitter. Criteria: Invitae Variant Classification Sherloc (09022015). Collection method: clinical testing. Allele origin: germline.
Comment: This sequence change replaces proline, which is neutral and non-polar, with serine, which is neutral and polar, at codon 561 of the CARD14 protein (p.Pro561Ser). This variant is not present in population databases (gnomAD no frequency). This variant has not been reported in the literature in individuals affected with CARD14-related conditions. An algorithm developed to predict the effect of missense changes on protein structure and function (PolyPhen-2) suggests that this variant is likely to be tolerated. In summary, the available evidence is currently insufficient to determine the role of this variant in disease. Therefore, it has been classified as a Variant of Uncertain Significance.